The following is an entry in ClinVar:

ClinVar aggregate classification (germline): Pathogenic. Review status: criteria provided, multiple submitters, no conflicts (2 of 4 stars). 7 submissions from 7 submitters: Pathogenic (7). Last evaluated 2024-11-27.

Conditions:
Hereditary cancer-predisposing syndrome. Also called: Neoplastic Syndromes, Hereditary; Hereditary Cancer Syndrome; Tumor predisposition; Hereditary neoplastic syndrome. Identifiers: Orphanet 140162, MedGen C0027672, MeSH D009386, MONDO:0015356.
Cardiovascular phenotype. Identifiers: MedGen CN230736.
Neurofibromatosis, type 1 (NF1). Also called: VON RECKLINGHAUSEN DISEASE; NEUROFIBROMATOSIS, TYPE I, SOMATIC; Peripheral type neurofibromatosis; Neurofibromatosis, type I. Identifiers: Orphanet 636, MedGen C0027831, MONDO:0018975, OMIM 162200. Disease mechanism: loss of function.
Café-au-lait macules with pulmonary stenosis (WTSN). Also called: PULMONIC STENOSIS WITH CAFE-AU-LAIT SPOTS. Identifiers: MedGen C0553586, MONDO:0008672, OMIM 193520.

Submissions (7):

Labcorp Genetics (formerly Invitae), Labcorp
Classification: Pathogenic for Neurofibromatosis, type 1. Last evaluated: 2024-11-27. Review status: criteria provided, single submitter. Criteria: Invitae Variant Classification Sherloc (09022015). Collection method: clinical testing. Allele origin: germline.
Comment: This sequence change creates a premature translational stop signal (Splice site) in the NF1 gene. It is expected to result in an absent or disrupted protein product. Loss-of-function variants in NF1 are known to be pathogenic (PMID: 10712197, 23913538). This variant is not present in population databases (gnomAD no frequency). This premature translational stop signal has been observed in individual(s) with neurofibromatosis (PMID: 19221814, 30308447, 31730495). ClinVar contains an entry for this variant (Variation ID: 404591). For these reasons, this variant has been classified as Pathogenic.

GeneDx
Classification: Pathogenic. Last evaluated: 2024-11-05. Review status: criteria provided, single submitter. Criteria: GeneDx Variant Classification Process June 2021. Collection method: clinical testing. Allele origin: germline. Affected: yes.
Comment: Canonical splice site variant predicted to result in an in-frame loss of the adjacent exon in a gene for which loss of function is a known mechanism of disease; Deletions involving coding exons of this gene are a known mechanism of disease (HGMD); Not observed at significant frequency in large population cohorts (gnomAD); Also known as c.288delG; This variant is associated with the following publications: (PMID: 22155606, 33332384, 34308104, 36612057, 10712197, 23913538, 30308447, 31730495, 19221814, 31370276)

Dubai Health Genomic Medicine Center, Dubai Health
Classification: Pathogenic for Watson syndrome. Last evaluated: 2024-10-04. Review status: criteria provided, single submitter. Criteria: ACMG Guidelines, 2015. Collection method: research. Allele origin: germline. Affected: yes.
Comment: PVS1,PS4,PM2,

Ambry Genetics
Classification: Pathogenic for Cardiovascular phenotype; Hereditary cancer-predisposing syndrome. Last evaluated: 2024-01-05. Review status: criteria provided, single submitter. Criteria: Ambry Variant Classification Scheme 2023. Collection method: clinical testing. Allele origin: germline.
Comment: The c.288+1delG intronic variant, located in intron 3 of the NF1 gene, results from a deletion of one nucleotide within intron 3 of the NF1 gene. This variant was reported in multiple individuals with features consistent with neurofibromatosis type 1 (NF1) or individuals who met clinical criteria for NF1 (Upadhyaya M et al. Neurogenetics, 2009 Jul;10:251-63; Tsipi M et al. J Neurol Sci, 2018 Dec;395:95-105; Giugliano T et al. Genes (Basel), 2019 Jul;10:;Assunto A et al. Orphanet J Rare Dis, 2019 Nov;14:261; Byrjalsen A et al. PLoS Genet, 2020 Dec;16:e1009231). This variant is considered to be rare based on population cohorts in the Genome Aggregation Database (gnomAD). This nucleotide position is highly conserved in available vertebrate species. In silico splice site analysis predicts that this alteration will weaken the native splice donor site and will result in the creation or strengthening of a novel splice donor site. RNA studies have demonstrated that this alteration results in abnormal splicing in the set of samples tested (Ambry internal data). Based on the supporting evidence, this alteration is interpreted as a disease-causing mutation.

Genome-Nilou Lab
Classification: Pathogenic for Neurofibromatosis, type 1. Last evaluated: 2022-03-15. Review status: criteria provided, single submitter. Criteria: ACMG Guidelines, 2015. Collection method: clinical testing. Allele origin: germline. Affected: no.

Genome Diagnostics Laboratory, The Hospital for Sick Children
Classification: Pathogenic for Neurofibromatosis, type 1. Last evaluated: 2020-10-26. Review status: criteria provided, single submitter. Criteria: ACMG Guidelines, 2015. Collection method: clinical testing. Allele origin: germline. Affected: yes.

Department of Research and Development, Institute Hermes Pardini
Classification: Pathogenic for Neurofibromatosis, type 1. Last evaluated: 2016-02-02. Review status: criteria provided, single submitter. Criteria: ACMG Guidelines, 2015. Collection method: research. Allele origin: germline. Inheritance: Autosomal dominant inheritance. Affected: yes. Observed: 1 variant allele.
Comment: PVS1 - disrupt gene (frameshift), PM2 - Absent in population databases, PM4 - Protein lenght change, PP3 - Multiple deleterious effect and PP4 - Patient's phenotype

Literature cited by the submitters: PubMed 10712197 (cited by Labcorp Genetics (formerly Invitae), Labcorp); PubMed 23913538 (cited by Labcorp Genetics (formerly Invitae), Labcorp); PubMed 19221814 (cited by Labcorp Genetics (formerly Invitae), Labcorp); PubMed 30308447 (cited by Labcorp Genetics (formerly Invitae), Labcorp); PubMed 31730495 (cited by Labcorp Genetics (formerly Invitae), Labcorp).

NM_001042492.3(NF1):c.288+1del

Gene: NF1 (neurofibromin 1; plus strand). Cytogenetic location: 17q11.2.
Variant type: Deletion.
Coding change: c.288+1del on transcript NM_001042492.3 (MANE Select); the canonical splice donor site of the intron after coding-DNA position 288, one base deleted (G; older notation c.288+1delG).
Molecular consequence: splice donor variant.
Genome position (GRCh38, 1-based): chr17:31,159,094, G deleted; the last of 4 consecutive G bases (chr17:31,159,091-31,159,094); deleting any one gives the same sequence. VCF-style (leftmost placement, unchanged base first): chr17-31159090-TG-T. GRCh37 (hg19) VCF-style: chr17-29486108-TG-T.
Other names: c.288+1delG (NM_000267.3); c.288+1del (NM_000267.4, NM_001128147.3).
Identifiers: ClinVar variation 404591 (VCV000404591.17), dbSNP rs1057519370, ClinGen allele CA16044136.